The following is an entry in ClinVar:

ClinVar aggregate classification (germline): Likely pathogenic (1 of 4 stars; one submission).

Conditions:
PMM2-congenital disorder of glycosylation. Also called: CDG Ia; JAEKEN SYNDROME; PHOSPHOMANNOMUTASE 2 DEFICIENCY; CARBOHYDRATE-DEFICIENT GLYCOPROTEIN SYNDROME, TYPE Ia; PMM2-CDG; Congenital disorder of glycosylation, type Ia. Identifiers: Orphanet 79318, MedGen C0349653, MONDO:0008907, OMIM 212065.

gnomAD v4.1: 2 of 1,613,850 alleles (0.00012%); highest among the groups gnomAD compares: East Asian, 0.0022%; no homozygotes.

Submission:

Labcorp Genetics (formerly Invitae), Labcorp
Classification: Likely pathogenic for PMM2-congenital disorder of glycosylation. Last evaluated: 2024-05-02. Review status: criteria provided, single submitter. Criteria: Invitae Variant Classification Sherloc (09022015). Collection method: clinical testing. Allele origin: germline.
Comment: This sequence change replaces cysteine, which is neutral and slightly polar, with serine, which is neutral and polar, at codon 192 of the PMM2 protein (p.Cys192Ser). This variant is not present in population databases (gnomAD no frequency). This variant has not been reported in the literature in individuals affected with PMM2-related conditions. Advanced modeling of protein sequence and biophysical properties (such as structural, functional, and spatial information, amino acid conservation, physicochemical variation, residue mobility, and thermodynamic stability) performed at Invitae indicates that this missense variant is expected to disrupt PMM2 protein function with a positive predictive value of 95%. This variant disrupts the p.Cys192 amino acid residue in PMM2. Other variant(s) that disrupt this residue have been determined to be pathogenic (PMID: 10602363). This suggests that this residue is clinically significant, and that variants that disrupt this residue are likely to be disease-causing. In summary, the currently available evidence indicates that the variant is pathogenic, but additional data are needed to prove that conclusively. Therefore, this variant has been classified as Likely Pathogenic.

Literature cited by the submitters: PubMed 10602363.

NM_000303.3(PMM2):c.575G>C (p.Cys192Ser)

Gene: PMM2 (phosphomannomutase 2; plus strand). Cytogenetic location: 16p13.2.
Variant type: single nucleotide variant.
Coding change: c.575G>C on transcript NM_000303.3 (MANE Select); coding-DNA position 575, G replaced by C.
Protein change: p.Cys192Ser; replaces cysteine 192 with serine.
Molecular consequence: missense variant.
Genome position (GRCh38, 1-based): chr16:8,813,042, G>C. VCF-style: chr16-8813042-G-C. GRCh37 (hg19) VCF-style: chr16-8906899-G-C.
Other names: short protein forms C192S.
Identifiers: ClinVar variation 3651938 (VCV003651938.2).